The following is an entry in ClinVar:

NM_005956.4(MTHFD1):c.295G>A (p.Val99Met)

Gene: MTHFD1 (methylenetetrahydrofolate dehydrogenase, cyclohydrolase and formyltetrahydrofolate synthetase 1; plus strand). Cytogenetic location: 14q23.3.
Variant type: single nucleotide variant.
Coding change: c.295G>A on transcript NM_005956.4 (MANE Select); coding-DNA position 295, G replaced by A.
Protein change: p.Val99Met; replaces valine 99 with methionine.
Molecular consequence: missense variant.
Genome position (GRCh38, 1-based): chr14:64,415,412, G>A. VCF-style: chr14-64415412-G-A. GRCh37 (hg19) VCF-style: chr14-64882130-G-A.
Other names: c.295G>A, p.Val99Met (NM_001364837.1); short protein forms V99M.
Identifiers: ClinVar variation 1494322 (VCV001494322.6), dbSNP rs2140956056, ClinGen allele CA389972462.

ClinVar aggregate classification (germline): Uncertain significance (1 of 4 stars; one submission).

Submission:

Labcorp Genetics (formerly Invitae), Labcorp
Classification: Uncertain significance. Last evaluated: 2022-09-27. Review status: criteria provided, single submitter. Criteria: Invitae Variant Classification Sherloc (09022015). Collection method: clinical testing. Allele origin: germline.
Comment: In summary, the available evidence is currently insufficient to determine the role of this variant in disease. Therefore, it has been classified as a Variant of Uncertain Significance. Advanced modeling of protein sequence and biophysical properties (such as structural, functional, and spatial information, amino acid conservation, physicochemical variation, residue mobility, and thermodynamic stability) performed at Invitae indicates that this missense variant is expected to disrupt MTHFD1 protein function. ClinVar contains an entry for this variant (Variation ID: 1494322). This variant has not been reported in the literature in individuals affected with MTHFD1-related conditions. This variant is not present in population databases (gnomAD no frequency). This sequence change replaces valine, which is neutral and non-polar, with methionine, which is neutral and non-polar, at codon 99 of the MTHFD1 protein (p.Val99Met).